The following is an entry in ClinVar:

NM_000218.3(KCNQ1):c.1222C>G (p.Pro408Ala)

Gene: KCNQ1 (potassium voltage-gated channel subfamily Q member 1; plus strand). Cytogenetic location: 11p15.5.
Variant type: single nucleotide variant.
Coding change: c.1222C>G on transcript NM_000218.3 (MANE Select); coding-DNA position 1222, C replaced by G.
Protein change: p.Pro408Ala; replaces proline 408 with alanine.
Molecular consequence: missense variant.
Genome position (GRCh38, 1-based): chr11:2,587,663, C>G. VCF-style: chr11-2587663-C-G. GRCh37 (hg19) VCF-style: chr11-2608893-C-G.
Other names: c.1222C>G (LRG_287t1); c.1126C>G, p.Pro376Ala (NM_001406836.1); c.952C>G, p.Pro318Ala (NM_001406837.1); c.682C>G, p.Pro228Ala (NM_001406838.1); c.841C>G, p.Pro281Ala (NM_181798.2); short protein forms P408A, P281A, P318A, P228A, P376A.
Identifiers: ClinVar variation 42484 (VCV000042484.40), dbSNP rs28730756, ClinGen allele CA005521.
Genomic context (GRCh38, chr11:2,587,663, plus strand): 5'-GACTCCTCCACCTGGAAGATCTACATCCGGAAGGCCCCCCGGAGCCACACTCTGCTGTCA[C>G]CCAGCCCCAAACCCAAGAAGTCTGTGGTGGTGAGTAGCCCACCTGCCACCAGGGCAGGGC-3'
Protein context (NP_000209.2, residues 398-418): KAPRSHTLLS[Pro408Ala]SPKPKKSVVV

ClinVar aggregate classification (germline): Benign/Likely benign. Review status: criteria provided, multiple submitters, no conflicts (2 of 4 stars). 17 submissions from 14 submitters: Benign (7); Likely benign (9). 1 of the submissions does not count toward it. Last evaluated 2026-10-01.

Conditions:
Cardiac arrhythmia. Also called: Cardiac rhythm disease; Arrhythmia. Identifiers: MedGen C0003811, MONDO:0007263, HP:0011675.
Cardiovascular phenotype. Identifiers: MedGen CN230736.
Long QT syndrome (LQTS). Identifiers: MedGen C0023976, MeSH D008133, MONDO:0002442. Disease mechanism: loss of function. Inheritance: Various modes of inheritance.
Short QT syndrome type 2. Identifiers: Orphanet 51083, MedGen C1865019, MONDO:0012313, OMIM 609621.
Jervell and Lange-Nielsen syndrome 1 (JLNS1). Also called: SURDO-CARDIAC SYNDROME; DEAFNESS, CONGENITAL, AND FUNCTIONAL HEART DISEASE; CARDIOAUDITORY SYNDROME OF JERVELL AND LANGE-NIELSEN; PROLONGED QT INTERVAL IN EKG AND SUDDEN DEATH. Identifiers: Orphanet 768, Orphanet 90647, MedGen C4551509, MONDO:0024540, OMIM 220400.
Atrial fibrillation, familial, 3 (ATFB3). Identifiers: MedGen C1837014, MONDO:0011857, OMIM 607554.
Long QT syndrome 1 (LQT1). Identifiers: Orphanet 101016, Orphanet 768, MedGen C4551647, MONDO:0100316, OMIM 192500, MONDO:0008646.

Allele frequency attached by ClinVar (database versions not stated): gnomAD exomes 0.00045 and 0.00127; gnomAD 0.00422 and 0.00447; 1000 Genomes Project 0.00539; 1000 Genomes Project 30x 0.00547; ExAC 0.00129; TOPMed 0.00492; ESP Exome Variant Server 0.00385.
gnomAD v4.1: 1,355 of 1,613,906 alleles (0.084%); highest among the groups gnomAD compares: African/African-American, 1.4%; 2 homozygotes.

Submissions (17):

CeGaT Center for Human Genetics Tuebingen
Classification: Likely benign. Last evaluated: 2026-10-01. Review status: criteria provided, single submitter. Criteria: CeGaT Center For Human Genetics Tuebingen Variant Classification Criteria Version 2. Collection method: clinical testing. Allele origin: germline. Affected: yes. Observed: 4 variant alleles.
Comment: KCNQ1: BS1

Labcorp Genetics (formerly Invitae), Labcorp
Classification: Benign for Long QT syndrome. Last evaluated: 2026-02-01. Review status: criteria provided, single submitter. Criteria: Invitae Variant Classification Sherloc (09022015). Collection method: clinical testing. Allele origin: germline.

Mayo Clinic Laboratories, Mayo Clinic
Classification: Likely benign. Last evaluated: 2025-11-11. Review status: criteria provided, single submitter. Criteria: ACMG Guidelines, 2015. Collection method: clinical testing. Allele origin: germline. Observed: 4 variant alleles.
Comment: BS1, BS2_supporting

Molecular Diagnostic Laboratory for Inherited Cardiovascular Disease, Montreal Heart Institute
Classification: Likely benign. Last evaluated: 2025-04-09. Review status: criteria provided, single submitter. Criteria: ACMG Guidelines, 2015. Collection method: clinical testing. Allele origin: germline. Affected: no.

All of Us Research Program, National Institutes of Health
Classification: Benign for Long QT syndrome. Last evaluated: 2024-09-23. Review status: criteria provided, single submitter. Criteria: ACMG Guidelines, 2015. Collection method: clinical testing. Allele origin: germline. Inheritance: Autosomal dominant inheritance. Observed: 423 variant alleles, 422 heterozygotes, 1 homozygote.
Comment: This study involves interpretation of variants in research participants for the purpose of population health screening. Participant phenotype was not available at the time of variant classification. Additional details can be found in publication PMID: 35346344, PMCID: PMC8962531

Blueprint Genetics
Classification: Likely benign. Last evaluated: 2024-09-18. Review status: criteria provided, single submitter. Criteria: ACMG Guidelines, 2015. Collection method: clinical testing. Allele origin: germline.

ARUP Laboratories, Molecular Genetics and Genomics, ARUP Laboratories
Classification: Benign. Last evaluated: 2023-08-07. Review status: criteria provided, single submitter. Criteria: ARUP Molecular Germline Variant Investigation Process 2024. Collection method: clinical testing. Allele origin: germline.

Illumina Laboratory Services, Illumina
Classification: Likely benign for Long QT syndrome 1. Last evaluated: 2019-03-07. Review status: criteria provided, single submitter. Criteria: ICSL Variant Classification Criteria 13 December 2019. Collection method: clinical testing. Allele origin: germline.
Comment: This variant was observed as part of a predisposition screen in an ostensibly healthy population. A literature search was performed for the gene, cDNA change, and amino acid change (where applicable). Publications were found based on this search. The evidence from the literature, in combination with allele frequency data from public databases where available, was sufficient to determine this variant is unlikely to cause disease. Therefore, this variant is classified as likely benign.

Illumina Laboratory Services, Illumina
Classification: Likely benign for Short QT syndrome type 2. Last evaluated: 2019-03-07. Review status: criteria provided, single submitter. Criteria: ICSL Variant Classification Criteria 13 December 2019. Collection method: clinical testing. Allele origin: germline.
Comment: This variant was observed as part of a predisposition screen in an ostensibly healthy population. A literature search was performed for the gene, cDNA change, and amino acid change (where applicable). No publications were found based on this search. Allele frequency data from public databases allowed determination this variant is unlikely to cause disease. Therefore, this variant is classified as likely benign.

Illumina Laboratory Services, Illumina
Classification: Likely benign for Atrial fibrillation, familial, 3. Last evaluated: 2019-03-07. Review status: criteria provided, single submitter. Criteria: ICSL Variant Classification Criteria 13 December 2019. Collection method: clinical testing. Allele origin: germline.
Comment: the same text as in the submission from Illumina Laboratory Services, Illumina above.

Illumina Laboratory Services, Illumina
Classification: Likely benign for Jervell and Lange-Nielsen syndrome 1. Last evaluated: 2019-03-07. Review status: criteria provided, single submitter. Criteria: ICSL Variant Classification Criteria 13 December 2019. Collection method: clinical testing. Allele origin: germline.
Comment: the same text as in the submission from Illumina Laboratory Services, Illumina above.

Color Diagnostics, LLC DBA Color Health
Classification: Benign for Arrhythmia. Last evaluated: 2018-03-14. Review status: criteria provided, single submitter. Criteria: ACMG Guidelines, 2015. Collection method: clinical testing. Allele origin: germline.

Ambry Genetics
Classification: Benign for Cardiovascular phenotype. Last evaluated: 2016-06-17. Review status: criteria provided, single submitter. Criteria: Ambry Variant Classification Scheme 2023. Collection method: clinical testing. Allele origin: germline.

GeneDx
Classification: Benign. Last evaluated: 2015-03-03. Review status: criteria provided, single submitter. Criteria: GeneDx Variant Classification Process June 2021. Collection method: clinical testing. Allele origin: germline. Affected: yes.

Laboratory for Molecular Medicine, Mass General Brigham Personalized Medicine
Classification: Benign. Last evaluated: 2012-04-30. Review status: criteria provided, single submitter. Criteria: LMM Criteria. Collection method: clinical testing. Allele origin: germline. Observed: 7 variant alleles.
Comment: Pro408Ala in Exon 09 of KCNQ1: This variant is not expected to have clinical sig nificance because it has been identified in 1.0% (37/3738) of African American c hromosomes from a broad population by the NHLBI Exome Sequencing Project (dbSNP rs28730756).

Breakthrough Genomics
Classification: Likely benign. Review status: criteria provided, single submitter. Criteria: ACMG Guidelines, 2015. Collection method: not provided. Allele origin: germline. Inheritance: Autosomal recessive inheritance. Affected: yes.

Cardiovascular Biomedical Research Unit, Royal Brompton & Harefield NHS Foundation Trust
No classification provided. Review status: no classification provided. Collection method: literature only. Allele origin: germline. Not counted in ClinVar's aggregate classification.
Comment: This variant has been reported in the following publications (PMID:14661677;PMID:17210839;PMID:19841300).

Literature cited by the submitters: PubMed 17210839 (cited by Illumina Laboratory Services, Illumina and Cardiovascular Biomedical Research Unit, Royal Brompton & Harefield NHS Foundation Trust); PubMed 14661677 (cited by Illumina Laboratory Services, Illumina and Cardiovascular Biomedical Research Unit, Royal Brompton & Harefield NHS Foundation Trust); PubMed 19841300 (cited by Illumina Laboratory Services, Illumina and Cardiovascular Biomedical Research Unit, Royal Brompton & Harefield NHS Foundation Trust); PubMed 22581653 (cited by Cardiovascular Biomedical Research Unit, Royal Brompton & Harefield NHS Foundation Trust).